The following is an entry in ClinVar:

ClinVar aggregate classification (germline): Uncertain significance. Review status: criteria provided, multiple submitters, no conflicts (2 of 4 stars). 2 submissions from 2 submitters: Uncertain significance (2). Last evaluated 2021-08-31.

Conditions:
Nephronophthisis 14 (NPHP14). Identifiers: Orphanet 2318, MedGen C3539071, MONDO:0013916, OMIM 614844.

Allele frequency attached by ClinVar (database versions not stated): gnomAD exomes below 0.00001; TOPMed below 0.00001.
gnomAD v4.1: 18 of 1,608,442 alleles (0.0011%); highest among the groups gnomAD compares: Non-Finnish European, 0.0014%; no homozygotes.

Submissions (2):

Labcorp Genetics (formerly Invitae), Labcorp
Classification: Uncertain significance for Nephronophthisis 14. Last evaluated: 2021-08-31. Review status: criteria provided, single submitter. Criteria: Invitae Variant Classification Sherloc (09022015). Collection method: clinical testing. Allele origin: germline.
Comment: In summary, the available evidence is currently insufficient to determine the role of this variant in disease. Therefore, it has been classified as a Variant of Uncertain Significance. Algorithms developed to predict the effect of missense changes on protein structure and function are either unavailable or do not agree on the potential impact of this missense change (SIFT: "Deleterious"; PolyPhen-2: "Probably Damaging"; Align-GVGD: "Class C0"). This variant has not been reported in the literature in individuals affected with ZNF423-related conditions. This variant is not present in population databases (ExAC no frequency). This sequence change replaces histidine with arginine at codon 313 of the ZNF423 protein (p.His313Arg). The histidine residue is highly conserved and there is a small physicochemical difference between histidine and arginine.

Blueprint Genetics
Classification: Uncertain significance. Last evaluated: 2021-07-13. Review status: criteria provided, single submitter. Criteria: ACMG Guidelines, 2015. Collection method: clinical testing. Allele origin: germline.

NM_001379286.1(ZNF423):c.962A>G (p.His321Arg)

Gene: ZNF423 (zinc finger protein 423; minus strand). Cytogenetic location: 16q12.1.
Variant type: single nucleotide variant.
Coding change: c.962A>G on transcript NM_001379286.1 (MANE Select); coding-DNA position 962, A replaced by G.
Protein change: p.His321Arg; replaces histidine 321 with arginine.
Molecular consequence: missense variant.
Genome position (GRCh38, 1-based): chr16:49,638,214, T>C on the plus strand (A>G on the coding strand, the complement: ZNF423 is on the minus strand). VCF-style: chr16-49638214-T-C. GRCh37 (hg19) VCF-style: chr16-49672125-T-C.
Other names: c.758A>G, p.His253Arg (NM_001271620.2); c.587A>G, p.His196Arg (NM_001330533.2); c.938A>G, p.His313Arg (NM_015069.5); short protein forms H321R, H196R, H253R, H313R.
Identifiers: ClinVar variation 1472139 (VCV001472139.6), dbSNP rs1435941875, ClinGen allele CA395850866.
Genomic context (GRCh38, chr16:49,638,214, plus strand): 5'-GAGAACTGCTCAGGGCACATGGGGCACTTGTGTTTCTGGTTGGCGTGGGCTTGGTGGATA[T>C]GGGCGAGCAGTGTGTTCTCGTCGACGAAGACCTCAGGGCAGTGAATGCACTGCAGGTCCG-3'
Protein context (NP_001366215.1, residues 311-331): VFVDENTLLA[His321Arg]IHQAHANQKH